The following is an entry in ClinVar:

NM_014991.6(WDFY3):c.1609A>G (p.Ser537Gly)

Gene: WDFY3 (WD repeat and FYVE domain containing 3; minus strand). Cytogenetic location: 4q21.23.
Variant type: single nucleotide variant.
Coding change: c.1609A>G on transcript NM_014991.6 (MANE Select); coding-DNA position 1609, A replaced by G.
Protein change: p.Ser537Gly; replaces serine 537 with glycine.
Molecular consequence: missense variant.
Genome position (GRCh38, 1-based): chr4:84,820,169, T>C on the plus strand (A>G on the coding strand, the complement: WDFY3 is on the minus strand). VCF-style: chr4-84820169-T-C. GRCh37 (hg19) VCF-style: chr4-85741322-T-C.
Other names: short protein forms S537G.
Identifiers: ClinVar variation 4536040 (VCV004536040.1).

ClinVar aggregate classification (germline): Uncertain significance (1 of 4 stars; one submission).

Submission:

Women's Health and Genetics/Laboratory Corporation of America, LabCorp
Classification: Uncertain significance. Last evaluated: 2025-09-23. Review status: criteria provided, single submitter. Criteria: LabCorp Variant Classification Summary - May 2015. Collection method: clinical testing. Allele origin: germline.
Comment: Variant summary: WDFY3 c.1609A>G (p.Ser537Gly) results in a non-conservative amino acid change in the encoded protein sequence. Algorithms developed to predict the effect of missense changes on protein structure and function are either unavailable or do not agree on the potential impact of this missense change. The variant allele was found at a frequency of 4.1e-06 in 246896 control chromosomes. The available data on variant occurrences in the general population are insufficient to allow any conclusion about variant significance. To our knowledge, no occurrence of c.1609A>G in individuals affected with WDFY3-related conditions and no experimental evidence demonstrating its impact on protein function have been reported. No submitters have cited clinical-significance assessments for this variant to ClinVar. Based on the evidence outlined above, the variant was classified as uncertain significance.